The following continues an entry in ClinVar:

NM_007083.5(NUDT6):c.554-5C>A

ClinVar aggregate classification (germline): Benign.

Submissions 34 to 48 of 48:

Dr. Peter K. Rogan Lab, Western University
No classification provided (evidence only). Condition: Sarcoma. Review status: no classification provided. Collection method: in vitro. Allele origin: not applicable. Functional consequence: retained intron. Not counted in ClinVar's aggregate classification.

Dr. Peter K. Rogan Lab, Western University
No classification provided (evidence only). Condition: Nonpapillary renal cell carcinoma. Review status: no classification provided. Collection method: in vitro. Allele origin: not applicable. Functional consequence: retained intron. Not counted in ClinVar's aggregate classification.

Dr. Peter K. Rogan Lab, Western University
No classification provided (evidence only). Condition: Nonpapillary renal cell carcinoma. Review status: no classification provided. Collection method: in vitro. Allele origin: not applicable. Functional consequence: retained intron. Not counted in ClinVar's aggregate classification.

Dr. Peter K. Rogan Lab, Western University
No classification provided (evidence only). Condition: Nonpapillary renal cell carcinoma. Review status: no classification provided. Collection method: in vitro. Allele origin: not applicable. Functional consequence: retained intron. Not counted in ClinVar's aggregate classification.

Dr. Peter K. Rogan Lab, Western University
No classification provided (evidence only). Condition: Thymoma. Review status: no classification provided. Collection method: in vitro. Allele origin: not applicable. Functional consequence: retained intron. Not counted in ClinVar's aggregate classification.

Dr. Peter K. Rogan Lab, Western University
No classification provided (evidence only). Condition: Thymoma. Review status: no classification provided. Collection method: in vitro. Allele origin: not applicable. Functional consequence: retained intron. Not counted in ClinVar's aggregate classification.

Dr. Peter K. Rogan Lab, Western University
No classification provided (evidence only). Condition: Thymoma. Review status: no classification provided. Collection method: in vitro. Allele origin: not applicable. Functional consequence: retained intron. Not counted in ClinVar's aggregate classification.

Dr. Peter K. Rogan Lab, Western University
No classification provided (evidence only). Condition: Ovarian serous cystadenocarcinoma. Review status: no classification provided. Collection method: in vitro. Allele origin: not applicable. Functional consequence: retained intron. Not counted in ClinVar's aggregate classification.

Dr. Peter K. Rogan Lab, Western University
No classification provided (evidence only). Condition: Gastric cancer. Review status: no classification provided. Collection method: in vitro. Allele origin: not applicable. Functional consequence: retained intron. Not counted in ClinVar's aggregate classification.

Dr. Peter K. Rogan Lab, Western University
No classification provided (evidence only). Condition: Gastric cancer. Review status: no classification provided. Collection method: in vitro. Allele origin: not applicable. Functional consequence: retained intron. Not counted in ClinVar's aggregate classification.

Dr. Peter K. Rogan Lab, Western University
No classification provided (evidence only). Condition: Gastric cancer. Review status: no classification provided. Collection method: in vitro. Allele origin: not applicable. Functional consequence: retained intron. Not counted in ClinVar's aggregate classification.

Dr. Peter K. Rogan Lab, Western University
No classification provided (evidence only). Condition: Uterine carcinosarcoma. Review status: no classification provided. Collection method: in vitro. Allele origin: not applicable. Functional consequence: retained intron. Not counted in ClinVar's aggregate classification.

Dr. Peter K. Rogan Lab, Western University
No classification provided (evidence only). Condition: Uterine carcinosarcoma. Review status: no classification provided. Collection method: in vitro. Allele origin: not applicable. Functional consequence: retained intron. Not counted in ClinVar's aggregate classification.

Dr. Peter K. Rogan Lab, Western University
No classification provided (evidence only). Condition: Uterine carcinosarcoma. Review status: no classification provided. Collection method: in vitro. Allele origin: not applicable. Functional consequence: retained intron. Not counted in ClinVar's aggregate classification.

Dr. Peter K. Rogan Lab, Western University
No classification provided (evidence only). Condition: Malignant tumor of esophagus. Review status: no classification provided. Collection method: in vitro. Allele origin: not applicable. Functional consequence: retained intron. Not counted in ClinVar's aggregate classification.